The following is an entry in ClinVar:

NM_001369268.1(ACAN):c.1929C>A (p.Cys643Ter)

Gene: ACAN (aggrecan; plus strand). Cytogenetic location: 15q26.1.
Variant type: single nucleotide variant.
Coding change: c.1929C>A on transcript NM_001369268.1 (MANE Select); coding-DNA position 1929, C replaced by A.
Protein change: p.Cys643Ter; replaces cysteine 643 with a stop codon.
Molecular consequence: nonsense.
Genome position (GRCh38, 1-based): chr15:88,849,634, C>A. VCF-style: chr15-88849634-C-A. GRCh37 (hg19) VCF-style: chr15-89392865-C-A.
Other names: c.1929C>A, p.Cys643Ter (NM_001135.4, NM_001411096.1, NM_001411097.1 and 1 more transcripts); short protein forms C643*.
Identifiers: ClinVar variation 2020061 (VCV002020061.4), dbSNP rs551265948, ClinGen allele CA393712286.

ClinVar aggregate classification (germline): Pathogenic (1 of 4 stars; one submission).

Submission:

Labcorp Genetics (formerly Invitae), Labcorp
Classification: Pathogenic. Last evaluated: 2022-08-24. Review status: criteria provided, single submitter. Criteria: Invitae Variant Classification Sherloc (09022015). Collection method: clinical testing. Allele origin: germline.
Comment: For these reasons, this variant has been classified as Pathogenic. Algorithms developed to predict the effect of sequence changes on RNA splicing suggest that this variant may create or strengthen a splice site. This variant has not been reported in the literature in individuals affected with ACAN-related conditions. This variant is not present in population databases (gnomAD no frequency). This sequence change creates a premature translational stop signal (p.Cys643*) in the ACAN gene. It is expected to result in an absent or disrupted protein product. Loss-of-function variants in ACAN are known to be pathogenic (PMID: 16080123, 24762113).

Literature cited by the submitters: PubMed 16080123; PubMed 24762113.